The following is an entry in ClinVar:

ClinVar aggregate classification (germline): Uncertain significance. Review status: criteria provided, single submitter (1 of 4 stars). 2 submissions from 2 submitters: Uncertain significance (1). 1 of the submissions does not count toward it. Last evaluated 2022-03-04.

Conditions:
Neurodevelopmental disorder, mitochondrial, with abnormal movements and lactic acidosis, with or without seizures. Identifiers: Orphanet 572798, MedGen C4540192, MONDO:0060578, OMIM 617710.

Submissions (2):

Labcorp Genetics (formerly Invitae), Labcorp
Classification: Uncertain significance. Last evaluated: 2022-03-04. Review status: criteria provided, single submitter. Criteria: Invitae Variant Classification Sherloc (09022015). Collection method: clinical testing. Allele origin: germline.
Comment: This sequence change creates a premature translational stop signal (p.Ser109Alafs*15) in the WARS2 gene. It is expected to result in an absent or disrupted protein product. However, the current clinical and genetic evidence is not sufficient to establish whether loss-of-function variants in WARS2 cause disease. The frequency data for this variant in the population databases is considered unreliable, as metrics indicate poor data quality at this position in the gnomAD database. This premature translational stop signal has been observed in individual(s) with WARS2-related conditions (PMID: 28236339). ClinVar contains an entry for this variant (Variation ID: 440914). In summary, the available evidence is currently insufficient to determine the role of this variant in disease. Therefore, it has been classified as a Variant of Uncertain Significance.

OMIM
Classification: Pathogenic for NEURODEVELOPMENTAL DISORDER, MITOCHONDRIAL, WITH ABNORMAL MOVEMENTS AND LACTIC ACIDOSIS, WITHOUT SEIZURES. Last evaluated: 2017-10-10. Review status: no assertion criteria provided. Collection method: literature only. Allele origin: germline. Not counted in ClinVar's aggregate classification.

Literature cited by the submitters: PubMed 28236339 (cited by Labcorp Genetics (formerly Invitae), Labcorp and OMIM).

NM_015836.4(WARS2):c.325del (p.Ser109fs)

Gene: WARS2 (tryptophanyl tRNA synthetase 2, mitochondrial; minus strand). Cytogenetic location: 1p12.
Variant type: Deletion.
Coding change: c.325del on transcript NM_015836.4 (MANE Select); coding-DNA position 325, one base deleted (A; older notation c.325delA).
Protein change: p.Ser109fs; shifts the reading frame from serine 109.
Molecular consequence: frameshift variant. On other transcripts: intron variant (2).
Genome position (GRCh38, 1-based): chr1:119,076,373, T deleted on the plus strand (A on the coding strand, the reverse complement: WARS2 is on the minus strand); the first of 6 consecutive T bases (chr1:119,076,373-119,076,378); deleting any one gives the same sequence. VCF-style (leftmost placement, unchanged base first): chr1-119076372-CT-C. GRCh37 (hg19) VCF-style: chr1-119618995-CT-C.
Other names: c.325delA (NM_201263.2); c.256del, p.Ser86fs (NM_001378226.1, NM_001378227.1); c.43del, p.Ser15fs (NM_001378230.1); c.325del, p.Ser109fs (NM_001378231.1, NM_201263.2); c.91-30711del (NM_001378229.1); c.177+148del (NM_001378228.1); short protein forms S109fs, S15fs, S86fs.
Identifiers: ClinVar variation 440914 (VCV000440914.5), dbSNP rs1253426801, ClinGen allele CA526250135.